The following is an entry in ClinVar:

NM_001080397.3(SLC45A1):c.783C>T (p.Ala261=)

Gene: SLC45A1 (solute carrier family 45 member 1; plus strand). Cytogenetic location: 1p36.23.
Variant type: single nucleotide variant.
Coding change: c.783C>T on transcript NM_001080397.3 (MANE Select); coding-DNA position 783, C replaced by T.
Protein change: p.Ala261=; no amino-acid change (alanine 261 retained).
Molecular consequence: synonymous variant.
Genome position (GRCh38, 1-based): chr1:8,330,276, C>T. VCF-style: chr1-8330276-C-T. GRCh37 (hg19) VCF-style: chr1-8390336-C-T.
Other names: c.783C>T, p.Ala261= (NM_001379614.1); c.690C>T, p.Ala230= (NM_001379615.1, NM_001379616.1); c.177C>T, p.Ala59= (NM_001379617.1, NM_001379618.1).
Identifiers: ClinVar variation 4534261 (VCV004534261.6).

ClinVar aggregate classification (germline): Likely benign (1 of 4 stars; one submission).

Submission:

CeGaT Center for Human Genetics Tuebingen
Classification: Likely benign. Last evaluated: 2025-11-01. Review status: criteria provided, single submitter. Criteria: CeGaT Center For Human Genetics Tuebingen Variant Classification Criteria Version 2. Collection method: clinical testing. Allele origin: germline. Affected: yes. Observed: 1 variant allele.
Comment: SLC45A1: BP4, BP7